The following is an entry in ClinVar:

NM_000257.4(MYH7):c.1669C>A (p.Leu557Met)

Gene: MYH7 (myosin heavy chain 7; minus strand). Cytogenetic location: 14q11.2.
Variant type: single nucleotide variant.
Coding change: c.1669C>A on transcript NM_000257.4 (MANE Select); coding-DNA position 1669, C replaced by A.
Protein change: p.Leu557Met; replaces leucine 557 with methionine.
Molecular consequence: missense variant.
Genome position (GRCh38, 1-based): chr14:23,427,804, G>T on the plus strand (C>A on the coding strand, the complement: MYH7 is on the minus strand). VCF-style: chr14-23427804-G-T. GRCh37 (hg19) VCF-style: chr14-23897013-G-T.
Other names: c.1669C>A, p.Leu557Met (NM_001407004.1); short protein forms L557M.
Identifiers: ClinVar variation 2644106 (VCV002644106.24), dbSNP rs2502297288, ClinGen allele CA389050071.

ClinVar aggregate classification (germline): Uncertain significance (1 of 4 stars; one submission).

Submission:

CeGaT Center for Human Genetics Tuebingen
Classification: Uncertain significance. Last evaluated: 2023-08-01. Review status: criteria provided, single submitter. Criteria: CeGaT Center For Human Genetics Tuebingen Variant Classification Criteria Version 2. Collection method: clinical testing. Allele origin: germline. Affected: yes. Observed: 1 variant allele.
Comment: MYH7: PM1, PM2, PP3